The following is an entry in ClinVar:

NM_007294.4(BRCA1):c.4612C>G (p.Gln1538Glu)

Gene: BRCA1 (BRCA1 DNA repair associated; minus strand). Cytogenetic location: 17q21.31.
Variant type: single nucleotide variant.
Coding change: c.4612C>G on transcript NM_007294.4 (MANE Select); coding-DNA position 4612, C replaced by G.
Protein change: p.Gln1538Glu; replaces glutamine 1538 with glutamic acid.
Molecular consequence: missense variant. On other transcripts: non-coding transcript variant (1).
Genome position (GRCh38, 1-based): chr17:43,074,394, G>C on the plus strand (C>G on the coding strand, the complement: BRCA1 is on the minus strand). VCF-style: chr17-43074394-G-C. GRCh37 (hg19) VCF-style: chr17-41226411-G-C.
Other names: c.4609C>G, p.Gln1537Glu (NM_001407620.1, NM_001407621.1, NM_001407622.1 and 17 more transcripts); c.4606C>G, p.Gln1536Glu (NM_001407627.1, NM_001407628.1, NM_001407629.1 and 14 more transcripts); c.4597C>G, p.Gln1533Glu (NM_001407647.1); c.4555C>G, p.Gln1519Glu (NM_001407648.1); c.4552C>G, p.Gln1518Glu (NM_001407649.1); c.4612C>G, p.Gln1538Glu (NM_001407652.1, NM_001407593.1, NM_001407594.1 and 8 more transcripts); c.4534C>G, p.Gln1512Glu (NM_001407653.1, NM_001407654.1, NM_001407655.1); c.4531C>G, p.Gln1511Glu (NM_001407657.1, NM_001407658.1, NM_001407656.1); and 68 more; short protein forms Q1410E, Q1426E, Q1467E, Q1471E, Q1489E, Q1494E, Q1497E, Q1538E.
Identifiers: ClinVar variation 2133413 (VCV002133413.4), dbSNP rs80356992, ClinGen allele CA10592287.

ClinVar aggregate classification (germline): Uncertain significance (1 of 4 stars; one submission).

Conditions:
Hereditary breast ovarian cancer syndrome. Also called: Hereditary breast and ovarian cancer; Hereditary breast and/or ovarian cancer syndrome; Hereditary breast and ovarian cancer syndrome (HBOC); Breast and ovarian cancer; Hereditary breast and ovarian cancer syndrome; BRCA1- and BRCA2-Associated Hereditary Breast and Ovarian Cancer. Identifiers: Orphanet 145, MedGen C0677776, MeSH D061325, MONDO:0003582. Disease mechanism: loss of function.

Submission:

Labcorp Genetics (formerly Invitae), Labcorp
Classification: Uncertain significance for Hereditary breast ovarian cancer syndrome. Last evaluated: 2022-05-04. Review status: criteria provided, single submitter. Criteria: Invitae Variant Classification Sherloc (09022015). Collection method: clinical testing. Allele origin: germline.
Comment: In summary, the available evidence is currently insufficient to determine the role of this variant in disease. Therefore, it has been classified as a Variant of Uncertain Significance. Advanced modeling of protein sequence and biophysical properties (such as structural, functional, and spatial information, amino acid conservation, physicochemical variation, residue mobility, and thermodynamic stability) performed at Invitae indicates that this missense variant is not expected to disrupt BRCA1 protein function. This variant has not been reported in the literature in individuals affected with BRCA1-related conditions. This variant is not present in population databases (gnomAD no frequency). This sequence change replaces glutamine, which is neutral and polar, with glutamic acid, which is acidic and polar, at codon 1538 of the BRCA1 protein (p.Gln1538Glu).